The following is an entry in ClinVar:

ClinVar aggregate classification (germline): Pathogenic (1 of 4 stars; one submission).

Submission:

Labcorp Genetics (formerly Invitae), Labcorp
Classification: Pathogenic. Last evaluated: 2023-08-14. Review status: criteria provided, single submitter. Criteria: Invitae Variant Classification Sherloc (09022015). Collection method: clinical testing. Allele origin: germline.
Comment: This sequence change creates a premature translational stop signal (p.Gln296*) in the RFX6 gene. It is expected to result in an absent or disrupted protein product. Loss-of-function variants in RFX6 are known to be pathogenic (PMID: 20148032). This variant is not present in population databases (gnomAD no frequency). This variant has not been reported in the literature in individuals affected with RFX6-related conditions. For these reasons, this variant has been classified as Pathogenic.

Literature cited by the submitters: PubMed 20148032.

NM_173560.4(RFX6):c.886C>T (p.Gln296Ter)

Gene: RFX6 (regulatory factor X6; plus strand). Cytogenetic location: 6q22.1.
Variant type: single nucleotide variant.
Coding change: c.886C>T on transcript NM_173560.4 (MANE Select); coding-DNA position 886, C replaced by T.
Protein change: p.Gln296Ter; replaces glutamine 296 with a stop codon.
Molecular consequence: nonsense.
Genome position (GRCh38, 1-based): chr6:116,916,228, C>T. VCF-style: chr6-116916228-C-T. GRCh37 (hg19) VCF-style: chr6-117237391-C-T.
Other names: short protein forms Q296*.
Identifiers: ClinVar variation 2734002 (VCV002734002.3), dbSNP rs183355578, ClinGen allele CA365432469.
Genomic context (GRCh38, chr6:116,916,228, plus strand): 5'-AAAATCTTAACATACTTTTTACTCTGCAACTAGATCCAGCATTTTTTATTACACTTTTGG[C>T]AAGGAATGCCTGACCATCTCCTTCCCCTGCTCGAAAATCCTGTTATCATTGATATTTTCT-3'